The following is an entry in ClinVar:

ClinVar aggregate classification (germline): Uncertain significance (1 of 4 stars; one submission).

Conditions:
Autosomal recessive limb-girdle muscular dystrophy type 2P. Also called: MUSCULAR DYSTROPHY-DYSTROGLYCANOPATHY, LIMB-GIRDLE, DAG1-RELATED; Limb-Girdle Muscular Dystrophy Type 9C; MUSCULAR DYSTROPHY, LIMB-GIRDLE, TYPE 2P. Identifiers: Orphanet 280333, MedGen C4511963, MONDO:0013440, OMIM 613818.
Muscular dystrophy-dystroglycanopathy (congenital with brain and eye anomalies), type A9. Also called: Muscular dystrophy-dystroglycanopathy (congenital with brain and eye anomalies), type a, 9; WALKER-WARBURG SYNDROME OR MUSCLE-EYE BRAIN DISEASE, DAG1-RELATED. Identifiers: Orphanet 370997, Orphanet 899, MedGen C4225291, MONDO:0014683, OMIM 616538.

Allele frequency attached by ClinVar (database versions not stated): gnomAD exomes 0.00003; ExAC 0.00004; gnomAD 0.00006 and 0.00007; TOPMed 0.00006; 1000 Genomes Project 30x 0.00016; 1000 Genomes Project 0.00020.
gnomAD v4.1: 55 of 1,614,210 alleles (0.0034%); highest among the groups gnomAD compares: South Asian, 0.029%; no homozygotes.

Submission:

Labcorp Genetics (formerly Invitae), Labcorp
Classification: Uncertain significance for Autosomal recessive limb-girdle muscular dystrophy type 2P; Muscular dystrophy-dystroglycanopathy (congenital with brain and eye anomalies), type A9. Last evaluated: 2022-04-29. Review status: criteria provided, single submitter. Criteria: Invitae Variant Classification Sherloc (09022015). Collection method: clinical testing. Allele origin: germline.
Comment: This sequence change replaces alanine, which is neutral and non-polar, with valine, which is neutral and non-polar, at codon 98 of the DAG1 protein (p.Ala98Val). This variant is present in population databases (rs200871775, gnomAD 0.02%). This missense change has been observed in individual(s) with clinical features of DAG1-related conditions (PMID: 30919572). Algorithms developed to predict the effect of missense changes on protein structure and function (SIFT, PolyPhen-2, Align-GVGD) all suggest that this variant is likely to be tolerated. In summary, the available evidence is currently insufficient to determine the role of this variant in disease. Therefore, it has been classified as a Variant of Uncertain Significance.

Literature cited by the submitters: PubMed 30919572.

NM_004393.6(DAG1):c.293C>T (p.Ala98Val)

Gene: DAG1 (dystroglycan 1; plus strand). Cytogenetic location: 3p21.31.
Variant type: single nucleotide variant.
Coding change: c.293C>T on transcript NM_004393.6 (MANE Select); coding-DNA position 293, C replaced by T.
Protein change: p.Ala98Val; replaces alanine 98 with valine.
Molecular consequence: missense variant.
Genome position (GRCh38, 1-based): chr3:49,530,804, C>T. VCF-style: chr3-49530804-C-T. GRCh37 (hg19) VCF-style: chr3-49568237-C-T.
Other names: c.293C>T, p.Ala98Val (NM_001177636.3, NM_001177637.3, NM_001177638.3 and 9 more transcripts); short protein forms A98V.
Identifiers: ClinVar variation 1412041 (VCV001412041.5), dbSNP rs200871775, ClinGen allele CA2398882.